The following is an entry in ClinVar:

NC_000007.13:g.(?_6045672)_(6054968_?)del

Genes: AIMP2 (aminoacyl tRNA synthetase complex interacting multifunctional protein 2; plus strand), PMS2 (PMS1 homolog 2, mismatch repair system component; minus strand). Cytogenetic location: 7p22.1.
Variant type: Deletion.
Identifiers: ClinVar variation 1355763 (VCV001355763.1).

ClinVar aggregate classification (germline): Pathogenic (1 of 4 stars; one submission).

Conditions:
Hereditary nonpolyposis colorectal neoplasms. Identifiers: MedGen C0009405, MeSH D003123.

Submission:

Labcorp Genetics (formerly Invitae), Labcorp
Classification: Pathogenic for Hereditary nonpolyposis colorectal neoplasms. Last evaluated: 2021-11-12. Review status: criteria provided, single submitter. Criteria: Invitae Variant Classification Sherloc (09022015). Collection method: clinical testing. Allele origin: germline.
Comment: This variant is a gross deletion of the genomic region encompassing exon(s) 1 of the PMS2 gene, which includes the initiator codon. It is expected to result in an absent or disrupted protein product. Loss-of-function variants in PMS2 are known to be pathogenic (PMID: 21376568, 24362816). A similar copy number variant has been observed in individual(s) with colorectal cancer (PMID: 18602922, 18809606, 24068316). In at least one individual the data is consistent with the variant being in trans (on the opposite chromosome) from a pathogenic variant. For these reasons, this variant has been classified as Pathogenic.

Literature cited by the submitters: PubMed 21376568; PubMed 24362816; PubMed 18602922; PubMed 18809606; PubMed 24068316.